The following is an entry in ClinVar:

ClinVar aggregate classification (germline): Conflicting classifications of pathogenicity. Review status: criteria provided, conflicting classifications (1 of 4 stars). 4 submissions from 4 submitters: Uncertain significance (1); Likely benign (3). Last evaluated 2026-01-16.

Conditions:
Catecholaminergic polymorphic ventricular tachycardia 2. Also called: CASQ2-Related Catecholaminergic Polymorphic Ventricular Tachycardia; VENTRICULAR TACHYCARDIA, STRESS-INDUCED POLYMORPHIC 2. Identifiers: Orphanet 3286, MedGen C2677794, MONDO:0012762, OMIM 611938.
Catecholaminergic polymorphic ventricular tachycardia 1. Also called: RYR2-Related Catecholaminergic Polymorphic Ventricular Tachycardia; VENTRICULAR TACHYCARDIA, CATECHOLAMINERGIC POLYMORPHIC, 1, WITH OR WITHOUT ATRIAL DYSFUNCTION AND/OR DILATED CARDIOMYOPATHY; VENTRICULAR TACHYCARDIA, STRESS-INDUCED POLYMORPHIC 1. Identifiers: Orphanet 3286, MedGen C1631597, MONDO:0011484, OMIM 604772.

Allele frequency attached by ClinVar (database versions not stated): gnomAD exomes 0.00004 and 0.00009; ExAC 0.00011; gnomAD 0.00012 and 0.00013; TOPMed 0.00022; 1000 Genomes Project 30x 0.00031; 1000 Genomes Project 0.00040.
gnomAD v4.1: 88 of 1,607,636 alleles (0.0055%); highest among the groups gnomAD compares: Admixed American, 0.047%; no homozygotes.

Submissions (4):

Labcorp Genetics (formerly Invitae), Labcorp
Classification: Likely benign for Catecholaminergic polymorphic ventricular tachycardia 1. Last evaluated: 2026-01-16. Review status: criteria provided, single submitter. Criteria: Invitae Variant Classification Sherloc (09022015). Collection method: clinical testing. Allele origin: germline.

CeGaT Center for Human Genetics Tuebingen
Classification: Likely benign. Last evaluated: 2024-02-01. Review status: criteria provided, single submitter. Criteria: CeGaT Center For Human Genetics Tuebingen Variant Classification Criteria Version 2. Collection method: clinical testing. Allele origin: germline. Affected: yes. Observed: 2 variant alleles.
Comment: CASQ2: BP4

Illumina Laboratory Services, Illumina
Classification: Uncertain significance for Catecholaminergic polymorphic ventricular tachycardia 2. Last evaluated: 2018-01-13. Review status: criteria provided, single submitter. Criteria: ICSL Variant Classification Criteria 13 December 2019. Collection method: clinical testing. Allele origin: germline.

Laboratory for Molecular Medicine, Mass General Brigham Personalized Medicine
Classification: Likely benign. Last evaluated: 2014-07-03. Review status: criteria provided, single submitter. Criteria: LMM Criteria. Collection method: clinical testing. Allele origin: germline. Observed: 1 variant allele.
Comment: 533-6C>T in intron 4 of CASQ2: This variant is not expected to have clinical sig nificance because a C>T change at this position does not diverge from the splice consensus sequence and is therefore unlikely to impact splicing.

NM_001232.4(CASQ2):c.533-6C>T

Gene: CASQ2 (calsequestrin 2; minus strand). Cytogenetic location: 1p13.1.
Variant type: single nucleotide variant.
Coding change: c.533-6C>T on transcript NM_001232.4 (MANE Select); 6 bases into the intron before coding-DNA position 533, C replaced by T.
Molecular consequence: intron variant.
Genome position (GRCh38, 1-based): chr1:115,732,980, G>A on the plus strand (C>T on the coding strand, the complement: CASQ2 is on the minus strand). VCF-style: chr1-115732980-G-A. GRCh37 (hg19) VCF-style: chr1-116275601-G-A.
Identifiers: ClinVar variation 162816 (VCV000162816.43), dbSNP rs545407254, ClinGen allele CA175367.